The following is an entry in ClinVar:

NC_000004.11:g.(?_122747015)_(122749903_?)del

Gene: BBS7 (Bardet-Biedl syndrome 7; minus strand). Cytogenetic location: 4q27.
Variant type: Deletion.
Identifiers: ClinVar variation 3246649 (VCV003246649.1).

ClinVar aggregate classification (germline): Pathogenic (1 of 4 stars; one submission).

Conditions:
Bardet-Biedl syndrome (BBS). Identifiers: Orphanet 110, MedGen C0752166, MONDO:0015229.

Submission:

Labcorp Genetics (formerly Invitae), Labcorp
Classification: Pathogenic for Bardet-Biedl syndrome. Last evaluated: 2023-05-28. Review status: criteria provided, single submitter. Criteria: Invitae Variant Classification Sherloc (09022015). Collection method: clinical testing. Allele origin: unknown.
Comment: This variant has not been reported in the literature in individuals affected with BBS7-related conditions. This variant is a gross deletion of the genomic region encompassing exon(s) 16-19 of the BBS7 gene, which includes the termination codon. This deletion extends beyond the assayed region for this gene and therefore may encompass additional genes. While this deletion is not anticipated to lead to nonsense mediated decay, it is expected to alter mRNA translation or result in a truncated protein product. This variant disrupts a region of the BBS7 protein in which other variant(s) (p.Gln657Argfs*17) have been determined to be pathogenic (PMID: 33138063). This suggests that this is a clinically significant region of the protein, and that variants that disrupt it are likely to be disease-causing. For these reasons, this variant has been classified as Pathogenic.

Literature cited by the submitters: PubMed 33138063.